The following is an entry in ClinVar:

NM_001127222.2(CACNA1A):c.3421G>A (p.Glu1141Lys)

Gene: CACNA1A (calcium voltage-gated channel subunit alpha1 A; minus strand). Cytogenetic location: 19p13.13.
Variant type: single nucleotide variant.
Coding change: c.3421G>A on transcript NM_001127222.2 (MANE Select); coding-DNA position 3421, G replaced by A.
Protein change: p.Glu1141Lys; replaces glutamic acid 1141 with lysine.
Molecular consequence: missense variant.
Genome position (GRCh38, 1-based): chr19:13,286,635, C>T on the plus strand (G>A on the coding strand, the complement: CACNA1A is on the minus strand). VCF-style: chr19-13286635-C-T. GRCh37 (hg19) VCF-style: chr19-13397449-C-T.
Other names: c.3433G>A, p.Glu1145Lys (NM_000068.4, NM_023035.3); c.3424G>A, p.Glu1142Lys (NM_001127221.2, NM_001174080.2); short protein forms E1142K, E1141K, E1145K.
Identifiers: ClinVar variation 590092 (VCV000590092.17), dbSNP rs780535727, ClinGen allele CA9240322.

ClinVar aggregate classification (germline): Conflicting classifications of pathogenicity. Review status: criteria provided, conflicting classifications (1 of 4 stars). 4 submissions from 4 submitters: Uncertain significance (2); Likely benign (2). Last evaluated 2026-03-01.

Conditions:
Episodic ataxia type 2 (EA2). Also called: ATAXIA, EPISODIC, WITH NYSTAGMUS; ATAXIA, FAMILIAL PAROXYSMAL; ACETAZOLAMIDE-RESPONSIVE HEREDITARY PAROXYSMAL CEREBELLAR ATAXIA; CEREBELLAR ATAXIA, PAROXYSMAL, ACETAZOLAMIDE-RESPONSIVE; CEREBELLOPATHY, HEREDITARY PAROXYSMAL; EPISODIC ATAXIA, NYSTAGMUS-ASSOCIATED. Identifiers: Orphanet 97, MedGen C1720416, MONDO:0007163, OMIM 108500.
Developmental and epileptic encephalopathy, 42 (DEE42A). Also called: DEVELOPMENTAL AND EPILEPTIC ENCEPHALOPATHY 42A; EPILEPTIC ENCEPHALOPATHY, EARLY INFANTILE, 42A; Epileptic encephalopathy, early infantile, 42. Identifiers: MedGen C4310716, MONDO:0014917, OMIM 617106.
Inborn genetic diseases. Identifiers: MedGen C0950123, MeSH D030342.

Allele frequency attached by ClinVar (database versions not stated): gnomAD 0.00001 and 0.00002; ExAC 0.00002; gnomAD exomes 0.00002 and 0.00003; TOPMed 0.00003.
gnomAD v4.1: 24 of 1,528,744 alleles (0.0016%); highest among the groups gnomAD compares: Admixed American, 0.0084%; no homozygotes.

Submissions (4):

CeGaT Center for Human Genetics Tuebingen
Classification: Uncertain significance. Last evaluated: 2026-03-01. Review status: criteria provided, single submitter. Criteria: CeGaT Center For Human Genetics Tuebingen Variant Classification Criteria Version 2. Collection method: clinical testing. Allele origin: germline. Affected: yes. Observed: 1 variant allele.
Comment: CACNA1A: PM2:Supporting

Labcorp Genetics (formerly Invitae), Labcorp
Classification: Likely benign for Developmental and epileptic encephalopathy, 42; Episodic ataxia type 2. Last evaluated: 2025-12-16. Review status: criteria provided, single submitter. Criteria: Invitae Variant Classification Sherloc (09022015). Collection method: clinical testing. Allele origin: germline.

Athena Diagnostics
Classification: Uncertain significance. Last evaluated: 2018-08-28. Review status: criteria provided, single submitter. Criteria: Athena Diagnostics Criteria. Collection method: clinical testing. Allele origin: germline.

Ambry Genetics
Classification: Likely benign for Inborn genetic diseases. Last evaluated: 2018-02-13. Review status: criteria provided, single submitter. Criteria: Ambry Variant Classification Scheme 2023. Collection method: clinical testing. Allele origin: germline.